The following is an entry in ClinVar:

ClinVar aggregate classification (germline): Pathogenic/Likely pathogenic. Review status: criteria provided, multiple submitters, no conflicts (2 of 4 stars). 4 submissions from 4 submitters: Pathogenic (2); Likely pathogenic (2). Last evaluated 2025-12-16.

Conditions:
Autosomal recessive limb-girdle muscular dystrophy type 2D (LGMDR3). Also called: MUSCULAR DYSTROPHY, LIMB-GIRDLE, AUTOSOMAL RECESSIVE 3; ADHALINOPATHY, PRIMARY; DUCHENNE-LIKE AUTOSOMAL RECESSIVE MUSCULAR DYSTROPHY, TYPE 2. Identifiers: Orphanet 62, MedGen C2936332, MONDO:0011968, OMIM 608099. Disease mechanism: Affects gamma-sarcoglycan and also disrupts the integrity of the entire sarcoglycan complex..

Submissions (4):

Natera, Inc.
Classification: Likely pathogenic for Limb-girdle muscular dystrophy type 2D. Last evaluated: 2025-12-16. Review status: criteria provided, single submitter. Criteria: Natera Variant Classification Schema (03/2026). Collection method: clinical testing. Allele origin: germline.
Comment: The c.1039_1042dupATGG variant in SGCA is a frameshift variant predicted to shift the reading frame beginning at codon 348 and leads to a stop codon 23 codons downstream. This variant is expected to result in nonsense mediated decay, truncation, or a dysfunctional protein product. This variant is rare in the general population with a frequency below the threshold expected for the associated phenotype(s). Given the available evidence, this variant is classified as Likely Pathogenic.

Baylor Genetics
Classification: Likely pathogenic for Autosomal recessive limb-girdle muscular dystrophy type 2D. Last evaluated: 2023-10-28. Review status: criteria provided, single submitter. Criteria: ACMG Guidelines, 2015. Collection method: clinical testing. Allele origin: unknown.

Labcorp Genetics (formerly Invitae), Labcorp
Classification: Pathogenic for Autosomal recessive limb-girdle muscular dystrophy type 2D. Last evaluated: 2023-06-07. Review status: criteria provided, single submitter. Criteria: Invitae Variant Classification Sherloc (09022015). Collection method: clinical testing. Allele origin: germline.
Comment: This sequence change creates a premature translational stop signal (p.Ala348Aspfs*23) in the SGCA gene. It is expected to result in an absent or disrupted protein product. Loss-of-function variants in SGCA are known to be pathogenic (PMID: 9192266). For these reasons, this variant has been classified as Pathogenic. ClinVar contains an entry for this variant (Variation ID: 595224). This variant has not been reported in the literature in individuals affected with SGCA-related conditions. This variant is not present in population databases (gnomAD no frequency).

Eurofins Ntd Llc (ga)
Classification: Pathogenic. Last evaluated: 2017-12-13. Review status: criteria provided, single submitter. Criteria: EGL Classification Definitions 2015. Collection method: clinical testing. Allele origin: germline. Observed: 1 variant allele, 1 heterozygote.

Literature cited by the submitters: PubMed 9192266 (cited by Labcorp Genetics (formerly Invitae), Labcorp).

NM_000023.4(SGCA):c.1039_1042dup (p.Ala348fs)

Gene: SGCA (sarcoglycan alpha; plus strand). Cytogenetic location: 17q21.33.
Variant type: Duplication.
Coding change: c.1039_1042dup on transcript NM_000023.4 (MANE Select); coding-DNA positions 1039 to 1042, 4 bases duplicated (ATGG; older notation c.1039_1042dupATGG).
Protein change: p.Ala348fs; shifts the reading frame from alanine 348.
Molecular consequence: frameshift variant. On other transcripts: non-coding transcript variant (1).
Genome position (GRCh38, 1-based): chr17:50,175,312-50,175,315, ATGG duplicated; duplicating any 4 consecutive bases within chr17:50,175,311-50,175,315 gives the same sequence; the c. name uses the placement nearest the transcript's 3' end. VCF-style (leftmost placement, unchanged base first): chr17-50175310-A-AGATG. GRCh37 (hg19) VCF-style: chr17-48252671-A-AGATG.
Other names: c.667_670dup, p.Ala224fs (NM_001135697.3); c.1039_1042dupATGG (NM_000023.3); short protein forms A224fs, A348fs.
Identifiers: ClinVar variation 595224 (VCV000595224.10), dbSNP rs1598277713, ClinGen allele CA913190983.